The following is an entry in ClinVar:

NM_001082486.2(ACD):c.109G>A (p.Asp37Asn)

Gene: ACD (ACD shelterin complex subunit and telomerase recruitment factor; minus strand). Cytogenetic location: 16q22.1.
Variant type: single nucleotide variant.
Coding change: c.109G>A on transcript NM_001082486.2 (MANE Select); coding-DNA position 109, G replaced by A.
Protein change: p.Asp37Asn; replaces aspartic acid 37 with asparagine.
Molecular consequence: missense variant.
Genome position (GRCh38, 1-based): chr16:67,660,036, C>T on the plus strand (G>A on the coding strand, the complement: ACD is on the minus strand). VCF-style: chr16-67660036-C-T. GRCh37 (hg19) VCF-style: chr16-67693939-C-T.
Other names: c.100G>A, p.Asp34Asn (NM_022914.3); c.109G>A, p.Asp37Asn (LRG_1237t1); short protein forms D34N, D37N.
Identifiers: ClinVar variation 475769 (VCV000475769.27), dbSNP rs142662151, ClinGen allele CA8114816.
Genomic context (GRCh38, chr16:67,660,036, plus strand): 5'-TGGCCCCGACGTCGGACGTATCAGGGGCGTGGGATGGGCCCGCGACCGCGGCCTCGGCGT[C>T]CTGTAGTACCTGACGGCGGCGAGCGGCGTCAATCCCACCACCCCGGGCCTCCGCCTCGGT-3'
Protein context (NP_001075955.2, residues 27-47): RAGQLLEVLQ[Asp37Asn]AEAAVAGPSH

ClinVar aggregate classification (germline): Uncertain significance. Review status: criteria provided, multiple submitters, no conflicts (2 of 4 stars). 6 submissions from 6 submitters: Uncertain significance (6). Last evaluated 2026-06-30.

Conditions:
ACD-related disorder. Also called: ACD-related condition.
Inborn genetic diseases. Identifiers: MedGen C0950123, MeSH D030342.
Dyskeratosis congenita, autosomal dominant 6 (DKCA6). Identifiers: Orphanet 3322, MedGen C4225284, MONDO:0014690, OMIM 616553.

Allele frequency attached by ClinVar (database versions not stated): TOPMed 0.00028; gnomAD 0.00029 and 0.00031; gnomAD exomes 0.00055 and 0.00034; ExAC 0.00038; ESP Exome Variant Server 0.00046.
gnomAD v4.1: 837 of 1,606,830 alleles (0.052%); highest among the groups gnomAD compares: Non-Finnish European, 0.065%; 1 homozygote.

Submissions (6):

PreventionGenetics, part of Exact Sciences
Classification: Uncertain significance for ACD-related condition. Last evaluated: 2026-06-30. Review status: criteria provided, single submitter. Criteria: ACMG Guidelines, 2015. Collection method: clinical testing. Allele origin: germline.
Comment: The ACD c.367G>A variant is predicted to result in the amino acid substitution p.Asp123Asn. To our knowledge, this variant has not been reported in the literature. This variant is reported in 0.059% of alleles in individuals of European (Non-Finnish) descent in gnomAD and is interpreted as uncertain in ClinVar (Variation ID: 475769). Although we suspect that this variant may be benign, at this time, the clinical significance of this variant is uncertain due to the absence of conclusive functional and genetic evidence.

Labcorp Genetics (formerly Invitae), Labcorp
Classification: Uncertain significance for Dyskeratosis congenita, autosomal dominant 6. Last evaluated: 2025-12-31. Review status: criteria provided, single submitter. Criteria: Invitae Variant Classification Sherloc (09022015). Collection method: clinical testing. Allele origin: germline.
Comment: This sequence change replaces aspartic acid, which is acidic and polar, with asparagine, which is neutral and polar, at codon 123 of the ACD protein (p.Asp123Asn). This variant is present in population databases (rs142662151, gnomAD 0.06%). This variant has not been reported in the literature in individuals affected with ACD-related conditions. ClinVar contains an entry for this variant (Variation ID: 475769). Invitae Evidence Modeling of protein sequence and biophysical properties (such as structural, functional, and spatial information, amino acid conservation, physicochemical variation, residue mobility, and thermodynamic stability) indicates that this missense variant is expected to disrupt ACD protein function with a positive predictive value of 80%. In summary, the available evidence is currently insufficient to determine the role of this variant in disease. Therefore, it has been classified as a Variant of Uncertain Significance.

Center for Genomic Medicine, Rigshospitalet, Copenhagen University Hospital
Classification: Uncertain significance. Last evaluated: 2025-03-04. Review status: criteria provided, single submitter. Criteria: ACMG Guidelines, 2015. Collection method: clinical testing. Allele origin: germline.

GeneDx
Classification: Uncertain significance. Last evaluated: 2025-01-15. Review status: criteria provided, single submitter. Criteria: GeneDx Variant Classification Process June 2021. Collection method: clinical testing. Allele origin: germline. Affected: yes.
Comment: In silico analysis indicates that this missense variant does not alter protein structure/function; This variant is associated with the following publications: (PMID: 32976206, 30957677, 31928178)

Ambry Genetics
Classification: Uncertain significance for Inborn genetic diseases. Last evaluated: 2021-07-02. Review status: criteria provided, single submitter. Criteria: Ambry Variant Classification Scheme 2023. Collection method: clinical testing. Allele origin: germline.
Comment: The p.D123N variant (also known as c.367G>A), located in coding exon 2 of the ACD gene, results from a G to A substitution at nucleotide position 367. The aspartic acid at codon 123 is replaced by asparagine, an amino acid with highly similar properties. This amino acid position is conserved. In addition, this alteration is predicted to be tolerated by in silico analysis. Since supporting evidence is limited at this time, the clinical significance of this alteration remains unclear.

Genetic Services Laboratory, University of Chicago
Classification: Uncertain significance. Last evaluated: 2020-03-19. Review status: criteria provided, single submitter. Criteria: ACMG Guidelines, 2015. Collection method: clinical testing. Allele origin: germline. Affected: no.